The following is an entry in ClinVar:

ClinVar aggregate classification (germline): Uncertain significance (1 of 4 stars; one submission).

Allele frequency attached by ClinVar (database versions not stated): ExAC 0.00003; gnomAD exomes 0.00003; TOPMed 0.00003; gnomAD 0.00004; 1000 Genomes Project 0.00020; 1000 Genomes Project 30x 0.00031.
gnomAD v4.1: 45 of 1,457,434 alleles (0.0031%); highest among the groups gnomAD compares: South Asian, 0.026%; no homozygotes.

Submission:

Labcorp Genetics (formerly Invitae), Labcorp
Classification: Uncertain significance. Last evaluated: 2023-06-09. Review status: criteria provided, single submitter. Criteria: Invitae Variant Classification Sherloc (09022015). Collection method: clinical testing. Allele origin: germline.
Comment: In summary, the available evidence is currently insufficient to determine the role of this variant in disease. Therefore, it has been classified as a Variant of Uncertain Significance. Algorithms developed to predict the effect of sequence changes on RNA splicing suggest that this variant is not likely to affect RNA splicing. This variant has not been reported in the literature in individuals affected with PLEKHG2-related conditions. This variant is present in population databases (rs539936502, gnomAD 0.02%). This sequence change affects codon 495 of the PLEKHG2 mRNA. It is a 'silent' change, meaning that it does not change the encoded amino acid sequence of the PLEKHG2 protein. It affects a nucleotide within the consensus splice site.

NM_022835.3(PLEKHG2):c.1485C>T (p.Asn495=)

Gene: PLEKHG2 (pleckstrin homology and RhoGEF domain containing G2; plus strand). Cytogenetic location: 19q13.2.
Variant type: single nucleotide variant.
Coding change: c.1485C>T on transcript NM_022835.3 (MANE Select); coding-DNA position 1485, C replaced by T.
Protein change: p.Asn495=; no amino-acid change (asparagine 495 retained).
Molecular consequence: synonymous variant.
Genome position (GRCh38, 1-based): chr19:39,421,112, C>T. VCF-style: chr19-39421112-C-T. GRCh37 (hg19) VCF-style: chr19-39911752-C-T.
Other names: c.1308C>T, p.Asn436= (NM_001351693.2); c.1485C>T, p.Asn495= (NM_001351694.2).
Identifiers: ClinVar variation 2717514 (VCV002717514.3), dbSNP rs539936502, ClinGen allele CA9429534.
Genomic context (GRCh38, chr19:39,421,112, plus strand): 5'-ACATCACTGTGTCCTCCCCGCAGAGCCGGTGAAGGACCCTTATGTCATGTTCCCACAGAA[C>T]GGTCAGTGACTGCCCCGGTTCAGCCTGGTCCATCCCTGTCTGTCGCCCGGTGGGATGTCT-3'
Protein context (NP_073746.2, residues 485-505): VKDPYVMFPQ[Asn495=]AKPGFKHAGS